The following is an entry in ClinVar:

NM_001127208.3(TET2):c.25G>A (p.Val9Ile)

Genes: TET2 (tet methylcytosine dioxygenase 2; plus strand), TET2-AS1 (TET2 antisense RNA 1; minus strand). Cytogenetic location: 4q24.
Variant type: single nucleotide variant.
Coding change: c.25G>A on transcript NM_001127208.3 (MANE Select); coding-DNA position 25, G replaced by A.
Protein change: p.Val9Ile; replaces valine 9 with isoleucine.
Molecular consequence: missense variant.
Genome position (GRCh38, 1-based): chr4:105,233,967, G>A. VCF-style: chr4-105233967-G-A. GRCh37 (hg19) VCF-style: chr4-106155124-G-A.
Other names: c.25G>A, p.Val9Ile (NM_017628.4); short protein forms V9I.
Identifiers: ClinVar variation 4594236 (VCV004594236.1).

ClinVar aggregate classification (germline): Uncertain significance (1 of 4 stars; one submission).

gnomAD v4.1: 6 of 1,613,882 alleles (0.00037%); highest among the groups gnomAD compares: African/African-American, 0.0067%; no homozygotes.

Submission:

Ambry Genetics
Classification: Uncertain significance. Last evaluated: 2025-12-06. Review status: criteria provided, single submitter. Criteria: Ambry Variant Classification Scheme 2023. Collection method: clinical testing. Allele origin: germline.
Comment: The p.V9I variant (also known as c.25G>A), located in coding exon 1 of the TET2 gene, results from a G to A substitution at nucleotide position 25. The valine at codon 9 is replaced by isoleucine, an amino acid with highly similar properties. This amino acid position is conserved. In addition, this alteration is predicted to be tolerated by in silico analysis. Based on the available evidence, the clinical significance of this variant remains unclear.